The following is an entry in ClinVar:

ClinVar aggregate classification (germline): Uncertain significance (1 of 4 stars; one submission).

Conditions:
EP300-related disorder. Also called: EP300-related disorders; EP300-related condition.

Submission:

PreventionGenetics, part of Exact Sciences
Classification: Uncertain significance for EP300-related condition. Last evaluated: 2025-05-28. Review status: criteria provided, single submitter. Criteria: ACMG Guidelines, 2015. Collection method: clinical testing. Allele origin: germline.
Comment: The EP300 c.4378C>T variant is predicted to result in the amino acid substitution p.Pro1460Ser. To our knowledge, this variant has not been reported in the literature or in a large population database (gnomAD), indicating this variant is rare. Although we suspect that this variant may be pathogenic, at this time, the clinical significance of this variant is uncertain due to the absence of conclusive functional and genetic evidence.

NM_001429.4(EP300):c.4378C>T (p.Pro1460Ser)

Gene: EP300 (EP300 lysine acetyltransferase; plus strand). Cytogenetic location: 22q13.2.
Variant type: single nucleotide variant.
Coding change: c.4378C>T on transcript NM_001429.4 (MANE Select); coding-DNA position 4378, C replaced by T.
Protein change: p.Pro1460Ser; replaces proline 1460 with serine.
Molecular consequence: missense variant.
Genome position (GRCh38, 1-based): chr22:41,170,497, C>T. VCF-style: chr22-41170497-C-T. GRCh37 (hg19) VCF-style: chr22-41566501-C-T.
Other names: c.4300C>T, p.Pro1434Ser (NM_001362843.2); short protein forms P1434S, P1460S.
Identifiers: ClinVar variation 2633471 (VCV002633471.2), dbSNP rs1205543825, ClinGen allele CA411702237.